The following is an entry in ClinVar:

ClinVar aggregate classification (germline): Benign/Likely benign. Review status: criteria provided, multiple submitters, no conflicts (2 of 4 stars). 4 submissions from 4 submitters: Benign (1); Likely benign (3). Last evaluated 2025-01-30.

Conditions:
Hereditary nonpolyposis colorectal neoplasms. Identifiers: MedGen C0009405, MeSH D003123.
Hereditary cancer-predisposing syndrome. Also called: Neoplastic Syndromes, Hereditary; Tumor predisposition; Hereditary neoplastic syndrome; Hereditary Cancer Syndrome. Identifiers: Orphanet 140162, MedGen C0027672, MeSH D009386, MONDO:0015356.
Lynch syndrome 4 (LYNCH4). Also called: Hereditary non-polyposis colorectal cancer, type 4; Colorectal cancer, hereditary nonpolyposis, type 4. Identifiers: Orphanet 144, MedGen C1838333, MONDO:0013699, OMIM 614337. Disease mechanism: loss of function.

Allele frequency attached by ClinVar (database versions not stated): gnomAD exomes below 0.00001.
gnomAD v4.1: 2 of 1,614,138 alleles (0.00012%); highest among the groups gnomAD compares: Middle Eastern, 0.033%; no homozygotes.

Submissions (4):

Myriad Genetics, Inc.
Classification: Benign for Lynch syndrome 4. Last evaluated: 2025-01-30. Review status: criteria provided, single submitter. Criteria: Myriad Autosomal Dominant, Autosomal Recessive and X-Linked Classification Criteria (2023). Collection method: clinical testing. Allele origin: unknown.
Comment: This variant is considered benign. This variant is a silent/synonymous amino acid change and it is not expected to impact splicing.

Labcorp Genetics (formerly Invitae), Labcorp
Classification: Likely benign for Hereditary nonpolyposis colorectal neoplasms. Last evaluated: 2024-06-04. Review status: criteria provided, single submitter. Criteria: Invitae Variant Classification Sherloc (09022015). Collection method: clinical testing. Allele origin: germline.

Ambry Genetics
Classification: Likely benign for Hereditary cancer-predisposing syndrome. Last evaluated: 2022-05-03. Review status: criteria provided, single submitter. Criteria: Ambry Variant Classification Scheme 2023. Collection method: clinical testing. Allele origin: germline.

GeneDx
Classification: Likely benign. Last evaluated: 2018-04-19. Review status: criteria provided, single submitter. Criteria: GeneDx Variant Classification (06012015). Collection method: clinical testing. Allele origin: germline. Affected: yes.
Comment: This variant is considered likely benign or benign based on one or more of the following criteria: it is a conservative change, it occurs at a poorly conserved position in the protein, it is predicted to be benign by multiple in silico algorithms, and/or has population frequency not consistent with disease.

NM_000535.7(PMS2):c.1284C>T (p.His428=)

Gene: PMS2 (PMS1 homolog 2, mismatch repair system component; minus strand). Cytogenetic location: 7p22.1.
Variant type: single nucleotide variant.
Coding change: c.1284C>T on transcript NM_000535.7 (MANE Select); coding-DNA position 1284, C replaced by T.
Protein change: p.His428=; no amino-acid change (histidine 428 retained).
Molecular consequence: synonymous variant. On other transcripts: non-coding transcript variant (1).
Genome position (GRCh38, 1-based): chr7:5,987,481, G>A on the plus strand (C>T on the coding strand, the complement: PMS2 is on the minus strand). VCF-style: chr7-5987481-G-A. GRCh37 (hg19) VCF-style: chr7-6027112-G-A.
Other names: c.879C>T, p.His293= (NM_001322003.2, NM_001322004.2, NM_001322005.2 and 1 more transcripts); c.1128C>T, p.His376= (NM_001322006.2); c.966C>T, p.His322= (NM_001322007.2, NM_001322008.2); c.723C>T, p.His241= (NM_001322010.2); c.351C>T, p.His117= (NM_001322011.2, NM_001322012.2); c.711C>T, p.His237= (NM_001322013.2); c.1284C>T, p.His428= (NM_001322014.2); c.975C>T, p.His325= (NM_001322015.2).
Identifiers: ClinVar variation 682355 (VCV000682355.9), dbSNP rs1583322072, ClinGen allele CA453747966.
Genomic context (GRCh38, chr7:5,987,481, plus strand): 5'-TCCTAGAGGGCTCCTTCTTGGTTCTGGAGTCTTTGGGCTGTGAGGCTTGTTCTCTGTTGT[G>A]TGACGAAGAGAAAAGGCCTCTCGCAGTCTGGAAATGGACACGTCTTTTTTTTCTTCTCCA-3'
Protein context (NP_000526.2, residues 418-438): SRLREAFSLR[His428=]TTENKPHSPK